The following is an entry in ClinVar:

NM_052867.4(NALCN):c.755G>A (p.Gly252Glu)

Gene: NALCN (sodium leak channel, non-selective; minus strand). Cytogenetic location: 13q33.1.
Variant type: single nucleotide variant.
Coding change: c.755G>A on transcript NM_052867.4 (MANE Select); coding-DNA position 755, G replaced by A.
Protein change: p.Gly252Glu; replaces glycine 252 with glutamic acid.
Molecular consequence: missense variant.
Genome position (GRCh38, 1-based): chr13:101,345,310, C>T on the plus strand (G>A on the coding strand, the complement: NALCN is on the minus strand). VCF-style: chr13-101345310-C-T. GRCh37 (hg19) VCF-style: chr13-101997661-C-T.
Other names: c.755G>A (NM_052867.2); c.755G>A, p.Gly252Glu (NM_001350748.2, NM_001350749.2, NM_001350750.2 and 1 more transcripts); short protein forms G252E.
Identifiers: ClinVar variation 2120507 (VCV002120507.5), dbSNP rs1311725761, ClinGen allele CA388707541.

ClinVar aggregate classification (germline): Uncertain significance. Review status: criteria provided, multiple submitters, no conflicts (2 of 4 stars). 2 submissions from 2 submitters: Uncertain significance (2). Last evaluated 2026-09-10.

Conditions:
Inborn genetic diseases. Identifiers: MedGen C0950123, MeSH D030342.

Allele frequency attached by ClinVar (database versions not stated): TOPMed below 0.00001; gnomAD exomes below 0.00001; gnomAD 0.00001.
gnomAD v4.1: 4 of 1,613,602 alleles (0.00025%); highest among the groups gnomAD compares: Non-Finnish European, 0.00034%; no homozygotes.

Submissions (2):

Ambry Genetics
Classification: Uncertain significance for Inborn genetic diseases. Last evaluated: 2026-09-10. Review status: criteria provided, single submitter. Criteria: Ambry Variant Classification Scheme 2023. Collection method: clinical testing. Allele origin: germline.

Labcorp Genetics (formerly Invitae), Labcorp
Classification: Uncertain significance. Last evaluated: 2023-01-26. Review status: criteria provided, single submitter. Criteria: Invitae Variant Classification Sherloc (09022015). Collection method: clinical testing. Allele origin: germline.
Comment: In summary, the available evidence is currently insufficient to determine the role of this variant in disease. Therefore, it has been classified as a Variant of Uncertain Significance. Advanced modeling of protein sequence and biophysical properties (such as structural, functional, and spatial information, amino acid conservation, physicochemical variation, residue mobility, and thermodynamic stability) performed at Invitae indicates that this missense variant is not expected to disrupt NALCN protein function. This variant has not been reported in the literature in individuals affected with NALCN-related conditions. This variant is not present in population databases (gnomAD no frequency). This sequence change replaces glycine, which is neutral and non-polar, with glutamic acid, which is acidic and polar, at codon 252 of the NALCN protein (p.Gly252Glu).